The following is an entry in ClinVar:

ClinVar aggregate classification (germline): Pathogenic. Review status: reviewed by expert panel (3 of 4 stars). 4 submissions from 4 submitters: Pathogenic (1). 3 of the submissions do not count toward it. Last evaluated 2024-06-25.

Conditions:
Von Hippel-Lindau syndrome (VHLS). Also called: Von Hippel-Lindau; von Hippel–Lindau syndrome; VHL syndrome. Identifiers: Orphanet 892, MedGen C0019562, MONDO:0008667, OMIM 193300. Disease mechanism: loss of function.
Chuvash polycythemia. Also called: POLYCYTHEMIA, VHL-DEPENDENT. Identifiers: Orphanet 238557, MedGen C1837915, MONDO:0009892, OMIM 263400.

Submissions (4):

ClinGen VHL Variant Curation Expert Panel, ClinGen
Classification: Pathogenic for Von Hippel-Lindau syndrome. Last evaluated: 2024-06-25. Review status: reviewed by expert panel. Criteria: ClinGen VHL VCEP ACMG Specifications VHL V1. Collection method: curation. Allele origin: germline. Inheritance: Autosomal dominant inheritance.
Comment: The variant NM_000551.3(VHL):c.341-2A>G is a canonical splice site within the 1st intron of the VHL gene, and is predicted to undergo nonsense mediated decay (PVS1). This variant is absent from gnomAD v4.1.0 (PM2_Supporting). This variant has been reported in at least 3 studies, in cases or families with VHL syndrome or VHL-related cancers. PMIDs: 17661816, 17024664, 27539324, CIViC EIDs: 5748, 5730. Two commercial laboratories report 1 case each, both with a history of VHL-related cancers. Although PP3 was not applied due to use of PVS1, we include the note that multiple splice predictors were used to evaluate the splice site. VarSeak supports the impact of disrupting this canonical splice site (Class 5) and the Splice AI score is 0.93, indicating impact on splicing. In summary, this variant meets the criteria to be classified as Pathogenic for autosomal-dominant von Hippel-Lindau disease (VHL disease) based on the ACMG/AMP criteria applied, as specified by the ClinGen VHL VCEP Version 1.0 (Specifications approval date: 02/26/2024. Variant Approval Date 06/25/2024).

Women's Health and Genetics/Laboratory Corporation of America, LabCorp
Classification: Pathogenic for Von Hippel-Lindau syndrome. Last evaluated: 2022-03-28. Review status: criteria provided, single submitter. Criteria: LabCorp Variant Classification Summary - May 2015. Collection method: clinical testing. Allele origin: germline. Not counted in ClinVar's aggregate classification.
Comment: Variant summary: VHL c.341-2A>G is located in a canonical splice-site and is predicted to affect mRNA splicing resulting in a significantly altered protein due to either exon skipping, shortening, or inclusion of intronic material. Several computational tools predict a significant impact on normal splicing: Five predict the variant abolishes a 3' canonical acceptor site. However, these predictions have yet to be confirmed by functional studies. The variant was absent in 251496 control chromosomes (gnomAD). The variant, c.341-2A>G, has been reported in the literature in multiple individuals affected with pheochromocytoma and renal cell carcinoma (e.g. Dalgliesh_2010, Garcias-Donas_2013, Pandit_2016, Razafinjatovo_2016). These data indicate that the variant is very likely to be associated with disease. To our knowledge, no experimental evidence demonstrating an impact on protein function has been reported. Two clinical diagnostic laboratories have submitted clinical-significance assessments for this variant to ClinVar after 2014 without evidence for independent evaluation and classified the variant as pathogenic. Based on the evidence outlined above, the variant was classified as pathogenic.

Labcorp Genetics (formerly Invitae), Labcorp
Classification: Pathogenic for Von Hippel-Lindau syndrome; Chuvash polycythemia. Last evaluated: 2022-03-21. Review status: criteria provided, single submitter. Criteria: Invitae Variant Classification Sherloc (09022015). Collection method: clinical testing. Allele origin: germline. Not counted in ClinVar's aggregate classification.
Comment: Disruption of this splice site has been observed in individuals with unilateral pheochromocytoma (PMID: 27539324). For these reasons, this variant has been classified as Pathogenic. This variant disrupts the c.341-2A nucleotide in the VHL gene. Other variant(s) that disrupt this nucleotide have been determined to be pathogenic (PMID: 17024664). This suggests that this nucleotide is clinically significant, and that variants that disrupt this position are likely to be disease-causing. Algorithms developed to predict the effect of sequence changes on RNA splicing suggest that this variant may disrupt the consensus splice site. ClinVar contains an entry for this variant (Variation ID: 223194). This variant is not present in population databases (gnomAD no frequency). This sequence change affects an acceptor splice site in intron 1 of the VHL gene. It is expected to disrupt RNA splicing. Variants that disrupt the donor or acceptor splice site typically lead to a loss of protein function (PMID: 16199547), and loss-of-function variants in VHL are known to be pathogenic (PMID: 8956040, 12202531, 29891534, 31350093).

Genomic Diagnostic Laboratory, Division of Genomic Diagnostics, Children's Hospital of Philadelphia
Classification: Pathogenic for Von Hippel-Lindau syndrome. Last evaluated: 2016-02-26. Review status: no assertion criteria provided. Collection method: clinical testing. Allele origin: germline. Observed: 1 variant allele. Not counted in ClinVar's aggregate classification.

Literature cited by the submitters: PubMed 23606570 (cited by Women's Health and Genetics/Laboratory Corporation of America, LabCorp); PubMed 20054297 (cited by Women's Health and Genetics/Laboratory Corporation of America, LabCorp); PubMed 23788753 (cited by Women's Health and Genetics/Laboratory Corporation of America, LabCorp); PubMed 27530247 (cited by Women's Health and Genetics/Laboratory Corporation of America, LabCorp); PubMed 27539324 (cited by Women's Health and Genetics/Laboratory Corporation of America, LabCorp and Labcorp Genetics (formerly Invitae), Labcorp); PubMed 17024664 (cited by Labcorp Genetics (formerly Invitae), Labcorp); PubMed 16199547 (cited by Labcorp Genetics (formerly Invitae), Labcorp); PubMed 8956040 (cited by Labcorp Genetics (formerly Invitae), Labcorp); PubMed 12202531 (cited by Labcorp Genetics (formerly Invitae), Labcorp); PubMed 29891534 (cited by Labcorp Genetics (formerly Invitae), Labcorp); PubMed 31350093 (cited by Labcorp Genetics (formerly Invitae), Labcorp).

NM_000551.4(VHL):c.341-2A>G

Genes: VHL (von Hippel-Lindau tumor suppressor; plus strand), LOC107303340 (3p25 von Hippel-Lindau tumor suppressor, E3 ubiquitin protein ligase Alu-mediated recombination region; plus strand). Cytogenetic location: 3p25.3.
Variant type: single nucleotide variant.
Coding change: c.341-2A>G on transcript NM_000551.4 (MANE Select); the canonical splice acceptor site of the intron before coding-DNA position 341, A replaced by G.
Molecular consequence: splice acceptor variant. On other transcripts: intron variant (2).
Genome position (GRCh38, 1-based): chr3:10,146,512, A>G. VCF-style: chr3-10146512-A-G. GRCh37 (hg19) VCF-style: chr3-10188196-A-G.
Other names: c.*18-3275A>G (NM_001354723.2); c.341-3275A>G (NM_198156.3).
Identifiers: ClinVar variation 223194 (VCV000223194.14), dbSNP rs869025637, ClinGen allele CA357004.